The following is an entry in ClinVar:

NM_006073.4(TRDN):c.1887G>T (p.Lys629Asn)

Gene: TRDN (triadin; minus strand). Cytogenetic location: 6q22.31.
Variant type: single nucleotide variant.
Coding change: c.1887G>T on transcript NM_006073.4 (MANE Select); coding-DNA position 1887, G replaced by T.
Protein change: p.Lys629Asn; replaces lysine 629 with asparagine.
Molecular consequence: missense variant.
Genome position (GRCh38, 1-based): chr6:123,255,886, C>A on the plus strand (G>T on the coding strand, the complement: TRDN is on the minus strand). VCF-style: chr6-123255886-C-A. GRCh37 (hg19) VCF-style: chr6-123577031-C-A.
Other names: short protein forms K629N.
Identifiers: ClinVar variation 3461003 (VCV003461003.1).

ClinVar aggregate classification (germline): Uncertain significance (1 of 4 stars; one submission).

Conditions:
Cardiovascular phenotype. Identifiers: MedGen CN230736.

gnomAD v4.1: 2 of 1,339,582 alleles (0.00015%); highest among the groups gnomAD compares: South Asian, 0.0018%; no homozygotes.

Submission:

Ambry Genetics
Classification: Uncertain significance for Cardiovascular phenotype. Last evaluated: 2024-10-15. Review status: criteria provided, single submitter. Criteria: Ambry Variant Classification Scheme 2023. Collection method: clinical testing. Allele origin: germline.
Comment: The p.K629N variant (also known as c.1887G>T), located in coding exon 36 of the TRDN gene, results from a G to T substitution at nucleotide position 1887. The lysine at codon 629 is replaced by asparagine, an amino acid with similar properties. This amino acid position is conserved. In addition, this alteration is predicted to be tolerated by in silico analysis. Based on the available evidence, the clinical significance of this variant remains unclear.